The following is an entry in ClinVar:

ClinVar aggregate classification (germline): Uncertain significance. Review status: criteria provided, multiple submitters, no conflicts (2 of 4 stars). 2 submissions from 2 submitters: Uncertain significance (2). Last evaluated 2025-03-25.

Conditions:
DICER1-related tumor predisposition. Also called: DICER1 syndrome; DICER1-related pleuropulmonary blastoma cancer predisposition syndrome. Identifiers: Orphanet 284343, MedGen C3839822, MONDO:0100216.
Hereditary cancer-predisposing syndrome. Also called: Neoplastic Syndromes, Hereditary; Tumor predisposition; Hereditary Cancer Syndrome; Hereditary neoplastic syndrome. Identifiers: Orphanet 140162, MedGen C0027672, MeSH D009386, MONDO:0015356.

gnomAD v4.1: 2 of 1,614,170 alleles (0.00012%); highest among the groups gnomAD compares: Non-Finnish European, 0.00017%; no homozygotes.

Submissions (2):

Labcorp Genetics (formerly Invitae), Labcorp
Classification: Uncertain significance for DICER1-related tumor predisposition. Last evaluated: 2025-03-25. Review status: criteria provided, single submitter. Criteria: Invitae Variant Classification Sherloc (09022015). Collection method: clinical testing. Allele origin: germline.
Comment: This sequence change replaces serine, which is neutral and polar, with tryptophan, which is neutral and slightly polar, at codon 1637 of the DICER1 protein (p.Ser1637Trp). This variant is present in population databases (rs140875148, gnomAD 0.002%). This variant has not been reported in the literature in individuals affected with DICER1-related conditions. ClinVar contains an entry for this variant (Variation ID: 1744054). Invitae Evidence Modeling of protein sequence and biophysical properties (such as structural, functional, and spatial information, amino acid conservation, physicochemical variation, residue mobility, and thermodynamic stability) indicates that this missense variant is not expected to disrupt DICER1 protein function with a negative predictive value of 95%. In summary, the available evidence is currently insufficient to determine the role of this variant in disease. Therefore, it has been classified as a Variant of Uncertain Significance.

Ambry Genetics
Classification: Uncertain significance for Hereditary cancer-predisposing syndrome. Last evaluated: 2025-02-25. Review status: criteria provided, single submitter. Criteria: Ambry Variant Classification Scheme 2023. Collection method: clinical testing. Allele origin: germline.
Comment: The p.S1637W variant (also known as c.4910C>G), located in coding exon 22 of the DICER1 gene, results from a C to G substitution at nucleotide position 4910. The serine at codon 1637 is replaced by tryptophan, an amino acid with highly dissimilar properties. This amino acid position is poorly conserved in available vertebrate species. In addition, the in silico prediction for this alteration is inconclusive. Based on the available evidence, the clinical significance of this variant remains unclear.

NM_177438.3(DICER1):c.4910C>G (p.Ser1637Trp)

Gene: DICER1 (dicer 1, ribonuclease III; minus strand). Cytogenetic location: 14q32.13.
Variant type: single nucleotide variant.
Coding change: c.4910C>G on transcript NM_177438.3 (MANE Select); coding-DNA position 4910, C replaced by G.
Protein change: p.Ser1637Trp; replaces serine 1637 with tryptophan.
Molecular consequence: missense variant. On other transcripts: non-coding transcript variant (6).
Genome position (GRCh38, 1-based): chr14:95,096,010, G>C on the plus strand (C>G on the coding strand, the complement: DICER1 is on the minus strand). VCF-style: chr14-95096010-G-C. GRCh37 (hg19) VCF-style: chr14-95562347-G-C.
Other names: c.4910C>G, p.Ser1637Trp (NM_001395679.1, NM_001395680.1, NM_001395681.1 and 13 more transcripts); c.4628C>G, p.Ser1543Trp (NM_001395686.1); c.4505C>G, p.Ser1502Trp (NM_001395687.1, NM_001395688.1, NM_001395689.1 and 2 more transcripts); c.4343C>G, p.Ser1448Trp (NM_001395691.1); c.3227C>G, p.Ser1076Trp (NM_001395697.1); short protein forms S1076W, S1502W, S1448W, S1637W, S1543W.
Identifiers: ClinVar variation 1744054 (VCV001744054.8), dbSNP rs140875148, ClinGen allele CA7330773.